The following is an entry in ClinVar:

ClinVar aggregate classification (germline): Benign. Review status: criteria provided, multiple submitters, no conflicts (2 of 4 stars). 3 submissions from 3 submitters: Benign (2). 1 of the submissions does not count toward it. Last evaluated 2026-01-14.

Conditions:
CTU2-related disorder. Also called: CTU2-related condition.

Allele frequency attached by ClinVar (database versions not stated): gnomAD exomes 0.00418; ExAC 0.00535; gnomAD 0.01640 and 0.01749; TOPMed 0.01832; ESP Exome Variant Server 0.01893; 1000 Genomes Project 0.02117; 1000 Genomes Project 30x 0.02217.

Submissions (3):

Labcorp Genetics (formerly Invitae), Labcorp
Classification: Benign. Last evaluated: 2026-01-14. Review status: criteria provided, single submitter. Criteria: Invitae Variant Classification Sherloc (09022015). Collection method: clinical testing. Allele origin: germline.

Breakthrough Genomics
Classification: Benign. Review status: criteria provided, single submitter. Criteria: ACMG Guidelines, 2015. Collection method: not provided. Allele origin: germline. Inheritance: Autosomal recessive inheritance. Affected: yes.

PreventionGenetics, part of Exact Sciences
Classification: Benign for CTU2-related condition. Last evaluated: 2024-06-03. Review status: no assertion criteria provided. Collection method: clinical testing. Allele origin: germline. Not counted in ClinVar's aggregate classification.
Comment: This variant is classified as benign based on ACMG/AMP sequence variant interpretation guidelines (Richards et al. 2015 PMID: 25741868, with internal and published modifications).

NM_001012759.3(CTU2):c.322G>C (p.Ala108Pro)

Gene: CTU2 (cytosolic thiouridylase subunit 2; plus strand). Cytogenetic location: 16q24.3.
Variant type: single nucleotide variant.
Coding change: c.322G>C on transcript NM_001012759.3 (MANE Select); coding-DNA position 322, G replaced by C.
Protein change: p.Ala108Pro; replaces alanine 108 with proline.
Molecular consequence: missense variant.
Genome position (GRCh38, 1-based): chr16:88,711,674, G>C. VCF-style: chr16-88711674-G-C. GRCh37 (hg19) VCF-style: chr16-88778082-G-C.
Other names: c.322G>C, p.Ala108Pro (NM_001012762.3, NM_001318507.2); c.61G>C, p.Ala21Pro (NM_001318513.2); short protein forms A21P, A108P.
Identifiers: ClinVar variation 786641 (VCV000786641.12), dbSNP rs61738915, ClinGen allele CA8230190.